The following is an entry in ClinVar:

ClinVar aggregate classification (germline): Likely pathogenic (1 of 4 stars; one submission).

Submission:

Mayo Clinic Laboratories, Mayo Clinic
Classification: Likely pathogenic. Last evaluated: 2022-03-25. Review status: criteria provided, single submitter. Criteria: ACMG Guidelines, 2015. Collection method: clinical testing. Allele origin: germline. Observed: 1 variant allele.
Comment: PM2, PVS1_strong

NM_000032.5(ALAS2):c.1646_1664dup (p.Cys555Ter)

Gene: ALAS2 (5'-aminolevulinate synthase 2; minus strand). Cytogenetic location: Xp11.21.
Variant type: Duplication.
Coding change: c.1646_1664dup on transcript NM_000032.5 (MANE Select); coding-DNA positions 1646 to 1664, 19 bases duplicated (ATGTGTCTGTGGCTGCCTG).
Protein change: p.Cys555Ter; replaces cysteine 555 with a stop codon.
Molecular consequence: nonsense.
Genome position (GRCh38, 1-based): chrX:55,009,280-55,009,298, CAGGCAGCCACAGACACAT duplicated on the plus strand (ATGTGTCTGTGGCTGCCTG on the coding strand, the reverse complement: ALAS2 is on the minus strand); duplicating any 19 consecutive bases within chrX:55,009,280-55,009,299 gives the same sequence; the c. name uses the placement nearest the transcript's 3' end. VCF-style (leftmost placement, unchanged base first): chrX-55009279-G-GCAGGCAGCCACAGACACAT. GRCh37 (hg19) VCF-style: chrX-55035712-G-GCAGGCAGCCACAGACACAT.
Other names: p.Cys555*; c.1535_1553dup, p.Cys518Ter (NM_001037967.4); c.1607_1625dup, p.Cys542Ter (NM_001037968.4); short protein forms C518*, C542*, C555*.
Identifiers: ClinVar variation 2683635 (VCV002683635.1), dbSNP rs2519570856, ClinGen allele CA2697553208.